The following is an entry in ClinVar:

NM_001165963.4(SCN1A):c.4111G>C (p.Gly1371Arg)

Genes: SCN1A (sodium voltage-gated channel alpha subunit 1; minus strand), LOC102724058 (uncharacterized LOC102724058; plus strand). Cytogenetic location: 2q24.3.
Variant type: single nucleotide variant.
Coding change: c.4111G>C on transcript NM_001165963.4 (MANE Select); coding-DNA position 4111, G replaced by C.
Protein change: p.Gly1371Arg; replaces glycine 1371 with arginine.
Molecular consequence: missense variant. On other transcripts: non-coding transcript variant (1).
Genome position (GRCh38, 1-based): chr2:166,002,645, C>G on the plus strand (G>C on the coding strand, the complement: SCN1A is on the minus strand). VCF-style: chr2-166002645-C-G. GRCh37 (hg19) VCF-style: chr2-166859155-C-G.
Other names: c.4027G>C, p.Gly1343Arg (NM_001165964.3, NM_001353957.2, NM_001353958.2); c.4111G>C, p.Gly1371Arg (NM_001202435.3, NM_001353948.2); c.4078G>C, p.Gly1360Arg (NM_001353949.2, NM_001353950.2, NM_001353951.2 and 2 more transcripts); c.4075G>C, p.Gly1359Arg (NM_001353954.2, NM_001353955.2); c.4024G>C, p.Gly1342Arg (NM_001353960.2); c.1669G>C, p.Gly557Arg (NM_001353961.2); short protein forms G1360R, G1371R, G557R, G1343R, G1359R, G1342R.
Identifiers: ClinVar variation 421697 (VCV000421697.2), dbSNP rs1064795303, ClinGen allele CA16617292.
Genomic context (GRCh38, chr2:166,002,645, plus strand): 5'-TCACGTCTTCGATGTCAAACCTGTCACCAGTTGTGGTGTTAATACAGTGGTAGAATTTGC[C>G]AGCAAACAAATTTACGCCCATGATGCTGAAAATTAGCCAGAATATAAGACAAACCAGAAG-3'
Protein context (NP_001159435.1, residues 1361-1381): FSIMGVNLFA[Gly1371Arg]KFYHCINTTT

ClinVar aggregate classification (germline): Likely pathogenic (1 of 4 stars; one submission).

Submission:

GeneDx
Classification: Likely pathogenic. Last evaluated: 2016-07-29. Review status: criteria provided, single submitter. Criteria: GeneDx Variant Classification (06012015). Collection method: clinical testing. Allele origin: germline. Affected: yes.
Comment: The G1371R variant has not been published as a pathogenic variant, nor has it been reported as a benign variant to our knowledge. It was not observed in approximately 6,500 individuals of European and African American ancestry in the NHLBI Exome Sequencing Project, indicating it is not a common benign variant in these populations. The G1371R variant is a non-conservative amino acid substitution, which is likely to impact secondary protein structure as these residues differ in polarity, charge, size and/or other properties. This substitution alters a position that is conserved across species and predicted to be within the transmembrane segment S5 of the third homologous domain. In silico analysis predicts this variant is probably damaging to the protein structure/function. Furthermore, missense variants in the same residue (G1371V) and nearby residues (V1366I, N1367K, K1372E) have been reported in the Human Gene Mutation Database in association with SCN1A-related disorder (Stenson et al., 2014), supporting the functional importance of this region of the protein. Therefore, this variant is likely pathogenic; however, the possibility that it is benign cannot be excluded.